The following is an entry in ClinVar:

ClinVar aggregate classification (germline): Uncertain significance (1 of 4 stars; one submission).

Conditions:
Congenital disorder of glycosylation type Ir (CDG1R). Also called: DDOST-congenital disorder of glycosylation. Identifiers: Orphanet 300536, MedGen C3281084, MONDO:0013789, OMIM 614507.

Allele frequency attached by ClinVar (database versions not stated): ExAC 0.00001.

Submission:

Labcorp Genetics (formerly Invitae), Labcorp
Classification: Uncertain significance for Congenital disorder of glycosylation type Ir. Last evaluated: 2023-07-05. Review status: criteria provided, single submitter. Criteria: Invitae Variant Classification Sherloc (09022015). Collection method: clinical testing. Allele origin: germline.
Comment: This sequence change replaces phenylalanine, which is neutral and non-polar, with leucine, which is neutral and non-polar, at codon 446 of the DDOST protein (p.Phe446Leu). This variant is present in population databases (rs760390881, gnomAD 0.003%). This variant has not been reported in the literature in individuals affected with DDOST-related conditions. An algorithm developed to predict the effect of missense changes on protein structure and function (PolyPhen-2) suggests that this variant is likely to be disruptive. In summary, the available evidence is currently insufficient to determine the role of this variant in disease. Therefore, it has been classified as a Variant of Uncertain Significance.

NM_005216.5(DDOST):c.1287C>A (p.Phe429Leu)

Gene: DDOST (dolichyl-diphosphooligosaccharide--protein glycosyltransferase non-catalytic subunit; minus strand). Cytogenetic location: 1p36.12.
Variant type: single nucleotide variant.
Coding change: c.1287C>A on transcript NM_005216.5 (MANE Select); coding-DNA position 1287, C replaced by A.
Protein change: p.Phe429Leu; replaces phenylalanine 429 with leucine.
Molecular consequence: missense variant.
Genome position (GRCh38, 1-based): chr1:20,652,412, G>T on the plus strand (C>A on the coding strand, the complement: DDOST is on the minus strand). VCF-style: chr1-20652412-G-T. GRCh37 (hg19) VCF-style: chr1-20978905-G-T.
Other names: short protein forms F429L.
Identifiers: ClinVar variation 2878833 (VCV002878833.3), dbSNP rs760390881, ClinGen allele CA660967.
Genomic context (GRCh38, chr1:20,652,412, plus strand): 5'-ACGCTGTGCGGAGAGGGCTCTAGCCCCTCAGTCGGACTTCTCCTTCTCCTTCATGTGCAA[G>T]AAGACGATGCTGAAGATGAAGAGCCCCAGCATCATGGAGAAGGCGCTGGCGTAGTAGGGG-3'
Protein context (NP_005207.3, residues 419-439): MLGLFIFSIV[Phe429Leu]LHMKEKEKSD